The following is an entry in ClinVar:

ClinVar aggregate classification (germline): Benign (1 of 4 stars; one submission).

Allele frequency attached by ClinVar (database versions not stated): TOPMed 0.12579; gnomAD 0.13267 and 0.14163; 1000 Genomes Project 30x 0.15849; 1000 Genomes Project 0.16154.
gnomAD v4.1: 21,506 of 152,262 alleles (14%); highest among the groups gnomAD compares: South Asian, 36%; 1,951 homozygotes.

Submission:

GeneDx
Classification: Benign. Last evaluated: 2018-06-16. Review status: criteria provided, single submitter. Criteria: GeneDx Variant Classification (06012015). Collection method: clinical testing. Allele origin: germline. Affected: yes.
Comment: This variant is considered likely benign or benign based on one or more of the following criteria: it is a conservative change, it occurs at a poorly conserved position in the protein, it is predicted to be benign by multiple in silico algorithms, and/or has population frequency not consistent with disease.

NM_020247.5(COQ8A):c.178-309C>T

Gene: COQ8A (coenzyme Q8A; plus strand). Cytogenetic location: 1q42.13.
Variant type: single nucleotide variant.
Coding change: c.178-309C>T on transcript NM_020247.5 (MANE Select); 309 bases into the intron before coding-DNA position 178, C replaced by T.
Molecular consequence: intron variant.
Genome position (GRCh38, 1-based): chr1:226,964,691, C>T. VCF-style: chr1-226964691-C-T. GRCh37 (hg19) VCF-style: chr1-227152392-C-T.
Identifiers: ClinVar variation 669686 (VCV000669686.1), dbSNP rs12133428, ClinGen allele CA10975925.